The following is an entry in ClinVar:

ClinVar aggregate classification (germline): Pathogenic. Review status: reviewed by expert panel (3 of 4 stars). 2 submissions from 2 submitters: Pathogenic (1). 1 of the submissions does not count toward it. Last evaluated 2016-10-18.

Conditions:
Breast-ovarian cancer, familial, susceptibility to, 1 (BROVCA1). Also called: BRCA1 Hereditary Breast and Ovarian Cancer; OVARIAN CANCER, SUSCEPTIBILITY TO. Identifiers: Orphanet 145, MedGen C2676676, MONDO:0011450, OMIM 604370. Disease mechanism: loss of function.

Submissions (2):

Evidence-based Network for the Interpretation of Germline Mutant Alleles (ENIGMA)
Classification: Pathogenic for Breast-ovarian cancer, familial, susceptibility to, 1. Last evaluated: 2016-10-18. Review status: reviewed by expert panel. Criteria: ENIGMA BRCA1/2 Classification Criteria (2015). Collection method: curation. Allele origin: germline.
Comment: Variant allele predicted to encode a truncated non-functional protein.

Consortium of Investigators of Modifiers of BRCA1/2 (CIMBA), c/o University of Cambridge
Classification: Pathogenic for Breast-ovarian cancer, familial, susceptibility to, 1. Last evaluated: 2015-10-02. Review status: criteria provided, single submitter. Criteria: CIMBA Mutation Classification guidelines May 2016. Collection method: clinical testing. Allele origin: germline. Not counted in ClinVar's aggregate classification.

NM_007294.4(BRCA1):c.3926del (p.Asn1309fs)

Genes: BRCA1 (BRCA1 DNA repair associated; minus strand), LOC126862571 (BRD4-independent group 4 enhancer GRCh37_chr17:41243136-41244335; plus strand). Cytogenetic location: 17q21.31.
Variant type: Deletion.
Coding change: c.3926del on transcript NM_007294.4 (MANE Select); coding-DNA position 3926, one base deleted (A; older notation c.3926delA).
Protein change: p.Asn1309fs; shifts the reading frame from asparagine 1309.
Molecular consequence: frameshift variant. On other transcripts: intron variant (135).
Genome position (GRCh38, 1-based): chr17:43,091,605, T deleted on the plus strand (A on the coding strand, the reverse complement: BRCA1 is on the minus strand); the first of 3 consecutive T bases (chr17:43,091,605-43,091,607); deleting any one gives the same sequence. VCF-style (leftmost placement, unchanged base first): chr17-43091604-AT-A. GRCh37 (hg19) VCF-style: chr17-41243621-AT-A.
Other names: 4045delA-ter1317; c.3926del, p.Asn1309fs (NM_001407652.1, NM_001407684.1, NM_001407854.1 and 30 more transcripts); c.3848del, p.Asn1283fs (NM_001407653.1, NM_001407654.1, NM_001407655.1 and 4 more transcripts); c.3845del, p.Asn1282fs (NM_001407659.1, NM_001407660.1, NM_001407661.1 and 1 more transcripts); c.3803del, p.Asn1268fs (NM_001407664.1, NM_001407665.1, NM_001407666.1 and 19 more transcripts); c.3800del, p.Asn1267fs (NM_001407670.1, NM_001407671.1, NM_001407672.1 and 11 more transcripts); c.3785del, p.Asn1262fs (NM_001407692.1, NM_001407694.1, NM_001407695.1 and 29 more transcripts); c.3782del, p.Asn1261fs (NM_001407740.1, NM_001407741.1, NM_001407742.1 and 20 more transcripts); and 43 more; short protein forms N1262fs, N1309fs, N1181fs, N1198fs, N1220fs, N1267fs, N1221fs, N1239fs.
Identifiers: ClinVar variation 55051 (VCV000055051.7), dbSNP rs397509119, ClinGen allele CA002522.